The following is an entry in ClinVar:

NM_000051.4(ATM):c.4729A>G (p.Thr1577Ala)

Gene: ATM (ATM serine/threonine kinase; plus strand). Cytogenetic location: 11q22.3.
Variant type: single nucleotide variant.
Coding change: c.4729A>G on transcript NM_000051.4 (MANE Select); coding-DNA position 4729, A replaced by G.
Protein change: p.Thr1577Ala; replaces threonine 1577 with alanine.
Molecular consequence: missense variant.
Genome position (GRCh38, 1-based): chr11:108,293,430, A>G. VCF-style: chr11-108293430-A-G. GRCh37 (hg19) VCF-style: chr11-108164157-A-G.
Other names: c.4729A>G, p.Thr1577Ala (NM_001351834.2); short protein forms T1577A.
Identifiers: ClinVar variation 2043446 (VCV002043446.5), dbSNP rs2135812938, ClinGen allele CA382535001.
Genomic context (GRCh38, chr11:108,293,430, plus strand): 5'-ATCACGATTAAGCTTTTAGATCCTTTTCCTGACCATGTTGTTTTTAAGGATTTGCGTATT[A>G]CTCAGCAAAAAATCAAATACAGTAGAGGACCCTTTTCACTCTTGGAGGTAATAAAAATTT-3'
Protein context (NP_000042.3, residues 1567-1587): DHVVFKDLRI[Thr1577Ala]QQKIKYSRGP

ClinVar aggregate classification (germline): Conflicting classifications of pathogenicity. Review status: criteria provided, conflicting classifications (1 of 4 stars). 2 submissions from 2 submitters: Uncertain significance (1); Likely benign (1). Last evaluated 2025-09-26.

Conditions:
Hereditary cancer-predisposing syndrome. Also called: Hereditary Cancer Syndrome; Tumor predisposition; Neoplastic Syndromes, Hereditary; Hereditary neoplastic syndrome. Identifiers: Orphanet 140162, MedGen C0027672, MeSH D009386, MONDO:0015356.
Ataxia-telangiectasia syndrome (AT). Also called: LOUIS-BAR SYNDROME; AT, COMPLEMENTATION GROUP C; Ataxia-telangiectasia, complementation group E; Ataxia telangiectasia (A-T); ATAXIA-TELANGIECTASIA, COMPLEMENTATION GROUP A; ATAXIA-TELANGIECTASIA, FRESNO VARIANT. Identifiers: Orphanet 100, MedGen C0004135, MONDO:0008840, OMIM 208900.

Submissions (2):

Ambry Genetics
Classification: Likely benign for Hereditary cancer-predisposing syndrome. Last evaluated: 2025-09-26. Review status: criteria provided, single submitter. Criteria: Ambry Variant Classification Scheme 2023. Collection method: clinical testing. Allele origin: germline.

Labcorp Genetics (formerly Invitae), Labcorp
Classification: Uncertain significance for Ataxia-telangiectasia syndrome. Last evaluated: 2023-10-13. Review status: criteria provided, single submitter. Criteria: Invitae Variant Classification Sherloc (09022015). Collection method: clinical testing. Allele origin: germline.
Comment: This sequence change replaces threonine, which is neutral and polar, with alanine, which is neutral and non-polar, at codon 1577 of the ATM protein (p.Thr1577Ala). This variant is not present in population databases (gnomAD no frequency). This variant has not been reported in the literature in individuals affected with ATM-related conditions. ClinVar contains an entry for this variant (Variation ID: 2043446). Algorithms developed to predict the effect of missense changes on protein structure and function output the following: SIFT: "Not Available"; PolyPhen-2: "Benign"; Align-GVGD: "Not Available". The alanine amino acid residue is found in multiple mammalian species, which suggests that this missense change does not adversely affect protein function. In summary, the available evidence is currently insufficient to determine the role of this variant in disease. Therefore, it has been classified as a Variant of Uncertain Significance.